The following is an entry in ClinVar:

ClinVar aggregate classification (germline): Uncertain significance (1 of 4 stars; one submission).

Allele frequency attached by ClinVar (database versions not stated): gnomAD 0.00002; TOPMed 0.00002.

Submission:

Center for Pediatric Genomic Medicine, Children's Mercy Hospital and Clinics
Classification: Uncertain significance. Last evaluated: 2015-11-23. Review status: criteria provided, single submitter. Criteria: ACMG Guidelines, 2015. Collection method: clinical testing. Allele origin: germline.
ClinVar note: Converted during submission from Uncertain Significance to Uncertain significance.

NM_005787.6(ALG3):c.14T>C (p.Leu5Pro)

Gene: ALG3 (ALG3 alpha-1,3- mannosyltransferase; minus strand). Cytogenetic location: 3q27.1.
Variant type: single nucleotide variant.
Coding change: c.14T>C on transcript NM_005787.6 (MANE Select); coding-DNA position 14, T replaced by C.
Protein change: p.Leu5Pro; replaces leucine 5 with proline.
Molecular consequence: missense variant. On other transcripts: non-coding transcript variant (2), intron variant (1).
Genome position (GRCh38, 1-based): chr3:184,248,927, A>G on the plus strand (T>C on the coding strand, the complement: ALG3 is on the minus strand). VCF-style: chr3-184248927-A-G. GRCh37 (hg19) VCF-style: chr3-183966715-A-G.
Other names: c.52+299T>C (NM_001006941.2); short protein forms L5P.
Identifiers: ClinVar variation 235400 (VCV000235400.3), dbSNP rs878853028, ClinGen allele CA10581300.
Genomic context (GRCh38, chr3:184,248,927, plus strand): 5'-AGCCATTGCTTGCAGAGTCCCTCTGCCTGGGCCGCGGAACCGGACCGGCCGCGTTTCCGC[A>G]GCCCAGCCGCCATCTTAACGGTGCGCCGCTTGTGTGGGCCCACCACCCCCGGAAACCCGA-3'
Protein context (NP_005778.1, residues 1-15): MAAG[Leu5Pro]RKRGRSGSAA